The following is an entry in ClinVar:

ClinVar aggregate classification (germline): Uncertain significance (1 of 4 stars; one submission).

Submission:

Ambry Genetics
Classification: Uncertain significance. Last evaluated: 2024-07-18. Review status: criteria provided, single submitter. Criteria: Ambry Variant Classification Scheme 2023. Collection method: clinical testing. Allele origin: germline.
Comment: The c.2557C>T (p.Q853*) alteration, located in exon 23 (coding exon 22) of the PDS5A gene, consists of a C to T substitution at nucleotide position 2557. This changes the amino acid from a glutamine (Q) to a stop codon at amino acid position 853. This alteration is expected to result in premature protein truncation or nonsense-mediated mRNA decay. However, loss of function of PDS5A has not been established as a mechanism of disease. This variant was not reported in population-based cohorts in the Genome Aggregation Database (gnomAD). Based on insufficient or conflicting evidence, the clinical significance of this alteration remains unclear.

NM_001100399.2(PDS5A):c.2557C>T (p.Gln853Ter)

Gene: PDS5A (PDS5 cohesin associated factor A; minus strand). Cytogenetic location: 4p14.
Variant type: single nucleotide variant.
Coding change: c.2557C>T on transcript NM_001100399.2 (MANE Select); coding-DNA position 2557, C replaced by T.
Protein change: p.Gln853Ter; replaces glutamine 853 with a stop codon.
Molecular consequence: nonsense.
Genome position (GRCh38, 1-based): chr4:39,866,946, G>A on the plus strand (C>T on the coding strand, the complement: PDS5A is on the minus strand). VCF-style: chr4-39866946-G-A. GRCh37 (hg19) VCF-style: chr4-39868566-G-A.
Other names: short protein forms Q853*.
Identifiers: ClinVar variation 3416675 (VCV003416675.1).